The following is an entry in ClinVar:

ClinVar aggregate classification (germline): Uncertain significance. Review status: criteria provided, multiple submitters, no conflicts (2 of 4 stars). 2 submissions from 2 submitters: Uncertain significance (2). Last evaluated 2026-03-09.

Conditions:
Cardiovascular phenotype. Identifiers: MedGen CN230736.
Dilated cardiomyopathy 1O (CMD1O). Also called: CARDIOMYOPATHY, DILATED, WITH VENTRICULAR TACHYCARDIA. Identifiers: Orphanet 154, MedGen C1837839, MONDO:0012062, OMIM 608569.

Allele frequency attached by ClinVar (database versions not stated): gnomAD exomes below 0.00001; gnomAD 0.00001; TOPMed 0.00001.
gnomAD v4.1: 2 of 1,613,812 alleles (0.00012%); highest among the groups gnomAD compares: Non-Finnish European, 0.00017%; no homozygotes.

Submissions (2):

Ambry Genetics
Classification: Uncertain significance for Cardiovascular phenotype. Last evaluated: 2026-03-09. Review status: criteria provided, single submitter. Criteria: Ambry Variant Classification Scheme 2023. Collection method: clinical testing. Allele origin: germline.
Comment: The p.C821Y variant (also known as c.2462G>A), located in coding exon 20 of the ABCC9 gene, results from a G to A substitution at nucleotide position 2462. The cysteine at codon 821 is replaced by tyrosine, an amino acid with highly dissimilar properties. This amino acid position is conserved. In addition, this alteration is predicted to be deleterious by in silico analysis. Based on the available evidence, the clinical significance of this variant remains unclear.

Labcorp Genetics (formerly Invitae), Labcorp
Classification: Uncertain significance for Dilated cardiomyopathy 1O. Last evaluated: 2024-10-21. Review status: criteria provided, single submitter. Criteria: Invitae Variant Classification Sherloc (09022015). Collection method: clinical testing. Allele origin: germline.
Comment: This sequence change replaces cysteine, which is neutral and slightly polar, with tyrosine, which is neutral and polar, at codon 821 of the ABCC9 protein (p.Cys821Tyr). This variant is not present in population databases (gnomAD no frequency). This variant has not been reported in the literature in individuals affected with ABCC9-related conditions. ClinVar contains an entry for this variant (Variation ID: 852162). Invitae Evidence Modeling of protein sequence and biophysical properties (such as structural, functional, and spatial information, amino acid conservation, physicochemical variation, residue mobility, and thermodynamic stability) indicates that this missense variant is not expected to disrupt ABCC9 protein function with a negative predictive value of 80%. In summary, the available evidence is currently insufficient to determine the role of this variant in disease. Therefore, it has been classified as a Variant of Uncertain Significance.

NM_020297.4(ABCC9):c.2462G>A (p.Cys821Tyr)

Gene: ABCC9 (ATP binding cassette subfamily C member 9; minus strand). Cytogenetic location: 12p12.1.
Variant type: single nucleotide variant.
Coding change: c.2462G>A on transcript NM_020297.4 (MANE Select); coding-DNA position 2462, G replaced by A.
Protein change: p.Cys821Tyr; replaces cysteine 821 with tyrosine.
Molecular consequence: missense variant.
Genome position (GRCh38, 1-based): chr12:21,859,629, C>T on the plus strand (G>A on the coding strand, the complement: ABCC9 is on the minus strand). VCF-style: chr12-21859629-C-T. GRCh37 (hg19) VCF-style: chr12-22012563-C-T.
Other names: c.2462G>A, p.Cys821Tyr (NM_001377273.1, NM_005691.4); c.1595G>A, p.Cys532Tyr (NM_001377274.1); c.2462G>A (NM_005691.2); short protein forms C821Y, C532Y.
Identifiers: ClinVar variation 852162 (VCV000852162.8), dbSNP rs1253290403, ClinGen allele CA384126935.